The following is an entry in ClinVar:

NM_001378452.1(ITPR1):c.1963G>C (p.Ala655Pro)

Gene: ITPR1 (inositol 1,4,5-trisphosphate receptor type 1; plus strand). Cytogenetic location: 3p26.1.
Variant type: single nucleotide variant.
Coding change: c.1963G>C on transcript NM_001378452.1 (MANE Select); coding-DNA position 1963, G replaced by C.
Protein change: p.Ala655Pro; replaces alanine 655 with proline.
Molecular consequence: missense variant.
Genome position (GRCh38, 1-based): chr3:4,669,730, G>C. VCF-style: chr3-4669730-G-C. GRCh37 (hg19) VCF-style: chr3-4711414-G-C.
Other names: c.1963G>C, p.Ala655Pro (NM_001099952.4); c.1918G>C, p.Ala640Pro (NM_001168272.2, NM_002222.7); short protein forms A640P, A655P.
Identifiers: ClinVar variation 2852821 (VCV002852821.3), dbSNP rs2470736558, ClinGen allele CA351644427.

ClinVar aggregate classification (germline): Uncertain significance (1 of 4 stars; one submission).

Submission:

Labcorp Genetics (formerly Invitae), Labcorp
Classification: Uncertain significance. Last evaluated: 2023-04-06. Review status: criteria provided, single submitter. Criteria: Invitae Variant Classification Sherloc (09022015). Collection method: clinical testing. Allele origin: germline.
Comment: This sequence change replaces alanine, which is neutral and non-polar, with proline, which is neutral and non-polar, at codon 640 of the ITPR1 protein (p.Ala640Pro). This variant is not present in population databases (gnomAD no frequency). This variant has not been reported in the literature in individuals affected with ITPR1-related conditions. Advanced modeling of protein sequence and biophysical properties (such as structural, functional, and spatial information, amino acid conservation, physicochemical variation, residue mobility, and thermodynamic stability) has been performed at Invitae for this missense variant, however the output from this modeling did not meet the statistical confidence thresholds required to predict the impact of this variant on ITPR1 protein function. In summary, the available evidence is currently insufficient to determine the role of this variant in disease. Therefore, it has been classified as a Variant of Uncertain Significance.